The following is an entry in ClinVar:

ClinVar aggregate classification (germline): Uncertain significance (1 of 4 stars; one submission).

Conditions:
Noonan syndrome 9 (NS9). Identifiers: Orphanet 648, MedGen C4225282, MONDO:0014691, OMIM 616559.

gnomAD v4.1: 2 of 1,614,102 alleles (0.00012%); highest among the groups gnomAD compares: African/African-American, 0.0027%; no homozygotes.

Submission:

Labcorp Genetics (formerly Invitae), Labcorp
Classification: Uncertain significance for Noonan syndrome 9. Last evaluated: 2021-08-25. Review status: criteria provided, single submitter. Criteria: Invitae Variant Classification Sherloc (09022015). Collection method: clinical testing. Allele origin: germline.
Comment: This sequence change replaces proline with leucine at codon 1266 of the SOS2 protein (p.Pro1266Leu). The proline residue is highly conserved and there is a moderate physicochemical difference between proline and leucine. In summary, the available evidence is currently insufficient to determine the role of this variant in disease. Therefore, it has been classified as a Variant of Uncertain Significance. Algorithms developed to predict the effect of missense changes on protein structure and function are either unavailable or do not agree on the potential impact of this missense change (SIFT: "Deleterious"; PolyPhen-2: "Probably Damaging"; Align-GVGD: "Class C0"). This variant has not been reported in the literature in individuals affected with SOS2-related conditions. This variant is not present in population databases (ExAC no frequency).

NM_006939.4(SOS2):c.3797C>T (p.Pro1266Leu)

Gene: SOS2 (SOS Ras/Rho guanine nucleotide exchange factor 2; minus strand). Cytogenetic location: 14q21.3.
Variant type: single nucleotide variant.
Coding change: c.3797C>T on transcript NM_006939.4 (MANE Select); coding-DNA position 3797, C replaced by T.
Protein change: p.Pro1266Leu; replaces proline 1266 with leucine.
Molecular consequence: missense variant.
Genome position (GRCh38, 1-based): chr14:50,118,546, G>A on the plus strand (C>T on the coding strand, the complement: SOS2 is on the minus strand). VCF-style: chr14-50118546-G-A. GRCh37 (hg19) VCF-style: chr14-50585264-G-A.
Other names: short protein forms P1266L.
Identifiers: ClinVar variation 1426213 (VCV001426213.6), dbSNP rs2139464021, ClinGen allele CA389637709.
Genomic context (GRCh38, chr14:50,118,546, plus strand): 5'-TGAGCAAGATTATTCTGACTAGAACTGAGCACATAGCATCGACGCGGTACCCTTGGAGAG[G>A]GTGTGCTAGGAGGAGTGCTTGGCGAATTTGGACACGTACTAATGTCTCTGAGCCAGTCTG-3'
Protein context (NP_008870.2, residues 1256-1276): PNSPSTPPST[Pro1266Leu]SPRVPRRCYV